The following is an entry in ClinVar:

NM_006096.4(NDRG1):c.432C>T (p.Tyr144=)

Gene: NDRG1 (N-myc downstream regulated 1; minus strand). Cytogenetic location: 8q24.22.
Variant type: single nucleotide variant.
Coding change: c.432C>T on transcript NM_006096.4 (MANE Select); coding-DNA position 432, C replaced by T.
Protein change: p.Tyr144=; no amino-acid change (tyrosine 144 retained).
Molecular consequence: synonymous variant.
Genome position (GRCh38, 1-based): chr8:133,258,384, G>A on the plus strand (C>T on the coding strand, the complement: NDRG1 is on the minus strand). VCF-style: chr8-133258384-G-A. GRCh37 (hg19) VCF-style: chr8-134270627-G-A.
Other names: c.432C>T, p.Tyr144= (NM_001135242.2, NM_001374844.1, NM_001374845.1 and 1 more transcripts); c.234C>T, p.Tyr78= (NM_001258432.2, NM_001374847.1); c.189C>T, p.Tyr63= (NM_001258433.2).
Identifiers: ClinVar variation 1565251 (VCV001565251.34), dbSNP rs535684670, ClinGen allele CA4886754.

ClinVar aggregate classification (germline): Likely benign. Review status: criteria provided, multiple submitters, no conflicts (2 of 4 stars). 2 submissions from 2 submitters: Likely benign (2). Last evaluated 2024-09-05.

Conditions:
Charcot-Marie-Tooth disease type 4. Also called: Charcot-Marie-Tooth, Type 4; Charcot-Marie-Tooth disease, type IV. Identifiers: Orphanet 64749, MedGen C4082197, MONDO:0018995.

Allele frequency attached by ClinVar (database versions not stated): gnomAD exomes below 0.00001; ExAC 0.00001; TOPMed 0.00001; gnomAD 0.00002.
gnomAD v4.1: 5 of 1,612,146 alleles (0.00031%); highest among the groups gnomAD compares: African/African-American, 0.004%; no homozygotes.

Submissions (2):

Labcorp Genetics (formerly Invitae), Labcorp
Classification: Likely benign for Charcot-Marie-Tooth disease type 4. Last evaluated: 2024-09-05. Review status: criteria provided, single submitter. Criteria: Invitae Variant Classification Sherloc (09022015). Collection method: clinical testing. Allele origin: germline.

CeGaT Center for Human Genetics Tuebingen
Classification: Likely benign. Last evaluated: 2023-04-01. Review status: criteria provided, single submitter. Criteria: CeGaT Center For Human Genetics Tuebingen Variant Classification Criteria Version 2. Collection method: clinical testing. Allele origin: germline. Affected: yes. Observed: 1 variant allele.
Comment: NDRG1: BP4, BP7